The following is an entry in ClinVar:

ClinVar aggregate classification (germline): Uncertain significance (1 of 4 stars; one submission).

gnomAD v4.1: 18 of 1,594,264 alleles (0.0011%); highest among the groups gnomAD compares: Non-Finnish European, 0.0015%; no homozygotes.

Submission:

Labcorp Genetics (formerly Invitae), Labcorp
Classification: Uncertain significance. Last evaluated: 2025-09-29. Review status: criteria provided, single submitter. Criteria: Invitae Variant Classification Sherloc (09022015). Collection method: clinical testing. Allele origin: germline.
Comment: This sequence change replaces lysine, which is basic and polar, with asparagine, which is neutral and polar, at codon 850 of the AP3D1 protein (p.Lys850Asn). This variant is present in population databases (rs55698722, gnomAD 0.003%). This variant has not been reported in the literature in individuals affected with AP3D1-related conditions. ClinVar contains an entry for this variant (Variation ID: 3609059). An algorithm developed to predict the effect of missense changes on protein structure and function (PolyPhen-2) suggests that this variant is likely to be tolerated. In summary, the available evidence is currently insufficient to determine the role of this variant in disease. Therefore, it has been classified as a Variant of Uncertain Significance.

NM_001261826.3(AP3D1):c.2550A>C (p.Lys850Asn)

Gene: AP3D1 (adaptor related protein complex 3 subunit delta 1; minus strand). Cytogenetic location: 19p13.3.
Variant type: single nucleotide variant.
Coding change: c.2550A>C on transcript NM_001261826.3 (MANE Select); coding-DNA position 2550, A replaced by C.
Protein change: p.Lys850Asn; replaces lysine 850 with asparagine.
Molecular consequence: missense variant.
Genome position (GRCh38, 1-based): chr19:2,114,176, T>G on the plus strand (A>C on the coding strand, the complement: AP3D1 is on the minus strand). VCF-style: chr19-2114176-T-G. GRCh37 (hg19) VCF-style: chr19-2114175-T-G.
Other names: c.2550A>C, p.Lys850Asn (NM_001374799.1, NM_003938.8); short protein forms K850N.
Identifiers: ClinVar variation 3609059 (VCV003609059.2).